The following is an entry in ClinVar:

ClinVar aggregate classification (germline): Uncertain significance (1 of 4 stars; one submission).

Conditions:
Cohen syndrome (COH1). Also called: PEPPER SYNDROME; Cutis verticis gyrata, retinitis pigmentosa, and sensorineural deafness. Identifiers: Orphanet 193, MedGen C0265223, MONDO:0008999, OMIM 216550.

gnomAD v4.1: 1 of 1,613,650 alleles (0.000062%); highest among the groups gnomAD compares: Admixed American, 0.0017%; no homozygotes.

Submission:

Labcorp Genetics (formerly Invitae), Labcorp
Classification: Uncertain significance for Cohen syndrome. Last evaluated: 2025-02-19. Review status: criteria provided, single submitter. Criteria: Invitae Variant Classification Sherloc (09022015). Collection method: clinical testing. Allele origin: germline.
Comment: This sequence change replaces glycine, which is neutral and non-polar, with arginine, which is basic and polar, at codon 295 of the VPS13B protein (p.Gly295Arg). This variant is not present in population databases (gnomAD no frequency). This variant has not been reported in the literature in individuals affected with VPS13B-related conditions. Invitae Evidence Modeling of protein sequence and biophysical properties (such as structural, functional, and spatial information, amino acid conservation, physicochemical variation, residue mobility, and thermodynamic stability) indicates that this missense variant is not expected to disrupt VPS13B protein function with a negative predictive value of 80%. In summary, the available evidence is currently insufficient to determine the role of this variant in disease. Therefore, it has been classified as a Variant of Uncertain Significance.

NM_152564.5(VPS13B):c.883G>C (p.Gly295Arg)

Gene: VPS13B (vacuolar protein sorting 13 homolog B; plus strand). Cytogenetic location: 8q22.2.
Variant type: single nucleotide variant.
Coding change: c.883G>C on transcript NM_152564.5 (MANE Select); coding-DNA position 883, G replaced by C.
Protein change: p.Gly295Arg; replaces glycine 295 with arginine.
Molecular consequence: missense variant. On other transcripts: non-coding transcript variant (1).
Genome position (GRCh38, 1-based): chr8:99,115,820, G>C. VCF-style: chr8-99115820-G-C. GRCh37 (hg19) VCF-style: chr8-100128048-G-C.
Other names: c.883G>C, p.Gly295Arg (NM_181661.3, NM_015243.3, NM_017890.5); short protein forms G295R.
Identifiers: ClinVar variation 4761410 (VCV004761410.1).